The following is an entry in ClinVar:

ClinVar aggregate classification (germline): Uncertain significance (1 of 4 stars; one submission).

Conditions:
Myopathy, centronuclear, 2 (CNM2). Also called: MYOTUBULAR MYOPATHY, AUTOSOMAL RECESSIVE. Identifiers: Orphanet 169186, MedGen CN031787, MONDO:0009709, OMIM 255200.

Allele frequency attached by ClinVar (database versions not stated): TOPMed below 0.00001; gnomAD 0.00001.
gnomAD v4.1: 2 of 1,613,960 alleles (0.00012%); highest among the groups gnomAD compares: South Asian, 0.0011%; no homozygotes.

Submission:

Labcorp Genetics (formerly Invitae), Labcorp
Classification: Uncertain significance for Myopathy, centronuclear, 2. Last evaluated: 2022-03-18. Review status: criteria provided, single submitter. Criteria: Invitae Variant Classification Sherloc (09022015). Collection method: clinical testing. Allele origin: germline.
Comment: In summary, the available evidence is currently insufficient to determine the role of this variant in disease. Therefore, it has been classified as a Variant of Uncertain Significance. Algorithms developed to predict the effect of missense changes on protein structure and function are either unavailable or do not agree on the potential impact of this missense change (SIFT: "Deleterious"; PolyPhen-2: "Probably Damaging"; Align-GVGD: "Class C15"). This variant has not been reported in the literature in individuals affected with BIN1-related conditions. This variant is not present in population databases (gnomAD no frequency). This sequence change replaces serine, which is neutral and polar, with phenylalanine, which is neutral and non-polar, at codon 79 of the BIN1 protein (p.Ser79Phe).

NM_139343.3(BIN1):c.236C>T (p.Ser79Phe)

Gene: BIN1 (bridging integrator 1; minus strand). Cytogenetic location: 2q14.3.
Variant type: single nucleotide variant.
Coding change: c.236C>T on transcript NM_139343.3 (MANE Select); coding-DNA position 236, C replaced by T.
Protein change: p.Ser79Phe; replaces serine 79 with phenylalanine.
Molecular consequence: missense variant.
Genome position (GRCh38, 1-based): chr2:127,070,632, G>A on the plus strand (C>T on the coding strand, the complement: BIN1 is on the minus strand). VCF-style: chr2-127070632-G-A. GRCh37 (hg19) VCF-style: chr2-127828208-G-A.
Other names: c.236C>T, p.Ser79Phe (NM_001320632.2, NM_001320633.2, NM_001320640.2 and 10 more transcripts); c.164C>T, p.Ser55Phe (NM_001320634.1); c.155C>T, p.Ser52Phe (NM_001320642.1); short protein forms S52F, S79F, S55F.
Identifiers: ClinVar variation 1467544 (VCV001467544.8), dbSNP rs1377099769, ClinGen allele CA348369577.